The following is an entry in ClinVar:

NM_000059.4(BRCA2):c.2994del (p.Pro999fs)

Gene: BRCA2 (BRCA2 DNA repair associated; plus strand). Cytogenetic location: 13q13.1.
Variant type: Deletion.
Coding change: c.2994del on transcript NM_000059.4 (MANE Select); coding-DNA position 2994, one base deleted (T; older notation c.2994delT).
Protein change: p.Pro999fs; shifts the reading frame from proline 999.
Molecular consequence: frameshift variant.
Genome position (GRCh38, 1-based): chr13:32,337,349, T deleted. VCF-style (leftmost placement, unchanged base first): chr13-32337348-GT-G. GRCh37 (hg19) VCF-style: chr13-32911485-GT-G.
Other names: c.2994delT (NM_000059.3); short protein forms P999fs.
Identifiers: ClinVar variation 1373896 (VCV001373896.7), dbSNP rs2137492046, ClinGen allele CA2573149263.

ClinVar aggregate classification (germline): Pathogenic. Review status: criteria provided, multiple submitters, no conflicts (2 of 4 stars). 2 submissions from 2 submitters: Pathogenic (2). Last evaluated 2025-10-14.

Conditions:
Hereditary cancer-predisposing syndrome. Also called: Neoplastic Syndromes, Hereditary; Tumor predisposition; Hereditary neoplastic syndrome; Hereditary Cancer Syndrome. Identifiers: Orphanet 140162, MedGen C0027672, MeSH D009386, MONDO:0015356.
Hereditary breast ovarian cancer syndrome. Also called: BRCA1- and BRCA2-Associated Hereditary Breast and Ovarian Cancer; Hereditary breast and ovarian cancer; Hereditary breast and ovarian cancer syndrome; Hereditary breast and/or ovarian cancer syndrome; Hereditary breast and ovarian cancer syndrome (HBOC); Breast and ovarian cancer. Identifiers: Orphanet 145, MedGen C0677776, MeSH D061325, MONDO:0003582. Disease mechanism: loss of function.

Submissions (2):

Ambry Genetics
Classification: Pathogenic for Hereditary cancer-predisposing syndrome. Last evaluated: 2025-10-14. Review status: criteria provided, single submitter. Criteria: Ambry Variant Classification Scheme 2023. Collection method: clinical testing. Allele origin: germline.
Comment: The c.2994delT pathogenic mutation, located in coding exon 10 of the BRCA2 gene, results from a deletion of one nucleotide at nucleotide position 2994, causing a translational frameshift with a predicted alternate stop codon (p.P999Qfs*44). This variant is considered to be rare based on population cohorts in the Genome Aggregation Database (gnomAD). This alteration is expected to result in loss of function by premature protein truncation or nonsense-mediated mRNA decay. As such, this alteration is interpreted as a disease-causing mutation.

Labcorp Genetics (formerly Invitae), Labcorp
Classification: Pathogenic for Hereditary breast ovarian cancer syndrome. Last evaluated: 2021-02-12. Review status: criteria provided, single submitter. Criteria: Invitae Variant Classification Sherloc (09022015). Collection method: clinical testing. Allele origin: germline.
Comment: For these reasons, this variant has been classified as Pathogenic. This variant has not been reported in the literature in individuals with BRCA2-related conditions. This variant is not present in population databases (ExAC no frequency). This sequence change creates a premature translational stop signal (p.Pro999Glnfs*44) in the BRCA2 gene. It is expected to result in an absent or disrupted protein product. Loss-of-function variants in BRCA2 are known to be pathogenic (PMID: 20104584).

Literature cited by the submitters: PubMed 20104584 (cited by Labcorp Genetics (formerly Invitae), Labcorp).